The following is an entry in ClinVar:

NM_005359.6(SMAD4):c.626C>T (p.Thr209Ile)

Gene: SMAD4 (SMAD family member 4; plus strand). Cytogenetic location: 18q21.2.
Variant type: single nucleotide variant.
Coding change: c.626C>T on transcript NM_005359.6 (MANE Select); coding-DNA position 626, C replaced by T.
Protein change: p.Thr209Ile; replaces threonine 209 with isoleucine.
Molecular consequence: missense variant.
Genome position (GRCh38, 1-based): chr18:51,054,952, C>T. VCF-style: chr18-51054952-C-T. GRCh37 (hg19) VCF-style: chr18-48581322-C-T.
Other names: short protein forms T209I.
Identifiers: ClinVar variation 933412 (VCV000933412.10), dbSNP rs1909801469, ClinGen allele CA402461207.

ClinVar aggregate classification (germline): Uncertain significance. Review status: criteria provided, multiple submitters, no conflicts (2 of 4 stars). 2 submissions from 2 submitters: Uncertain significance (2). Last evaluated 2023-07-15.

Conditions:
Familial thoracic aortic aneurysm and aortic dissection (TAAD). Also called: Thoracic aortic aneurysms and dissections. Identifiers: Orphanet 91387, MedGen C4707243, MONDO:0019625.
Hereditary cancer-predisposing syndrome. Also called: Tumor predisposition; Hereditary neoplastic syndrome; Neoplastic Syndromes, Hereditary; Hereditary Cancer Syndrome. Identifiers: Orphanet 140162, MedGen C0027672, MeSH D009386, MONDO:0015356.
Juvenile polyposis syndrome (JPS). Identifiers: Orphanet 2929, MedGen C0345893, MONDO:0017380, OMIM 174900.

Allele frequency attached by ClinVar (database versions not stated): gnomAD exomes below 0.00001.
gnomAD v4.1: 1 of 1,614,106 alleles (0.000062%); highest among the groups gnomAD compares: Non-Finnish European, 0.000085%; no homozygotes.

Submissions (2):

Ambry Genetics
Classification: Uncertain significance for Hereditary cancer-predisposing syndrome; Familial thoracic aortic aneurysm and aortic dissection. Last evaluated: 2023-07-15. Review status: criteria provided, single submitter. Criteria: Ambry Variant Classification Scheme 2023. Collection method: clinical testing. Allele origin: germline.
Comment: The p.T209I variant (also known as c.626C>T), located in coding exon 4 of the SMAD4 gene, results from a C to T substitution at nucleotide position 626. The threonine at codon 209 is replaced by isoleucine, an amino acid with similar properties. This amino acid position is not well conserved in available vertebrate species. In addition, the in silico prediction for this alteration is inconclusive. Since supporting evidence is limited at this time, the clinical significance of this alteration remains unclear.

Labcorp Genetics (formerly Invitae), Labcorp
Classification: Uncertain significance for Juvenile polyposis syndrome. Last evaluated: 2023-07-03. Review status: criteria provided, single submitter. Criteria: Invitae Variant Classification Sherloc (09022015). Collection method: clinical testing. Allele origin: germline.
Comment: In summary, the available evidence is currently insufficient to determine the role of this variant in disease. Therefore, it has been classified as a Variant of Uncertain Significance. Advanced modeling of protein sequence and biophysical properties (such as structural, functional, and spatial information, amino acid conservation, physicochemical variation, residue mobility, and thermodynamic stability) performed at Invitae indicates that this missense variant is not expected to disrupt SMAD4 protein function. ClinVar contains an entry for this variant (Variation ID: 933412). This sequence change replaces threonine, which is neutral and polar, with isoleucine, which is neutral and non-polar, at codon 209 of the SMAD4 protein (p.Thr209Ile). This variant is not present in population databases (gnomAD no frequency). This variant has not been reported in the literature in individuals affected with SMAD4-related conditions.